The following is an entry in ClinVar:

NM_004304.5(ALK):c.3610C>T (p.Leu1204Phe)

Gene: ALK (ALK receptor tyrosine kinase; minus strand). Cytogenetic location: 2p23.2.
Variant type: single nucleotide variant.
Coding change: c.3610C>T on transcript NM_004304.5 (MANE Select); coding-DNA position 3610, C replaced by T.
Protein change: p.Leu1204Phe; replaces leucine 1204 with phenylalanine.
Molecular consequence: missense variant.
Genome position (GRCh38, 1-based): chr2:29,220,741, G>A on the plus strand (C>T on the coding strand, the complement: ALK is on the minus strand). VCF-style: chr2-29220741-G-A. GRCh37 (hg19) VCF-style: chr2-29443607-G-A.
Other names: c.406C>T, p.Leu136Phe (NM_001353765.2); c.3610C>T (NM_004304.4); short protein forms L1204F, L136F.
Identifiers: ClinVar variation 1906146 (VCV001906146.6), dbSNP rs1553393864, ClinGen allele CA346473013.
Genomic context (GRCh38, chr2:29,220,741, plus strand): 5'-GCAGCAAAGACTGGTTCTCACTCACCGGGCGAGGGCGGGTCTCTCGGAGGAAGGACTTGA[G>A]GTCTCCCCCCGCCATGAGCTCCAGCAGGATGAACCGGGGCAGGGATTGCAGGCTCACCCC-3'
Protein context (NP_004295.2, residues 1194-1214): ILLELMAGGD[Leu1204Phe]KSFLRETRPR

ClinVar aggregate classification (germline): Uncertain significance. Review status: criteria provided, multiple submitters, no conflicts (2 of 4 stars). 2 submissions from 2 submitters: Uncertain significance (2). Last evaluated 2025-09-12.

Conditions:
Hereditary cancer-predisposing syndrome. Also called: Tumor predisposition; Neoplastic Syndromes, Hereditary; Hereditary neoplastic syndrome; Hereditary Cancer Syndrome. Identifiers: Orphanet 140162, MedGen C0027672, MeSH D009386, MONDO:0015356.
Neuroblastoma, susceptibility to, 3. Also called: ALK-Related Neuroblastic Tumor Susceptibility. Identifiers: Orphanet 635, MedGen C2751681, MONDO:0013083, OMIM 613014.

Submissions (2):

Ambry Genetics
Classification: Uncertain significance for Hereditary cancer-predisposing syndrome. Last evaluated: 2025-09-12. Review status: criteria provided, single submitter. Criteria: Ambry Variant Classification Scheme 2023. Collection method: clinical testing. Allele origin: germline.
Comment: The p.L1204F variant (also known as c.3610C>T), located in coding exon 23 of the ALK gene, results from a C to T substitution at nucleotide position 3610. The leucine at codon 1204 is replaced by phenylalanine, an amino acid with highly similar properties. This amino acid position is highly conserved in available vertebrate species. In addition, this alteration is predicted to be deleterious by in silico analysis. Based on the available evidence, the clinical significance of this variant remains unclear.

Labcorp Genetics (formerly Invitae), Labcorp
Classification: Uncertain significance for Neuroblastoma, susceptibility to, 3. Last evaluated: 2024-02-22. Review status: criteria provided, single submitter. Criteria: Invitae Variant Classification Sherloc (09022015). Collection method: clinical testing. Allele origin: germline.
Comment: This sequence change replaces leucine, which is neutral and non-polar, with phenylalanine, which is neutral and non-polar, at codon 1204 of the ALK protein (p.Leu1204Phe). This variant is not present in population databases (gnomAD no frequency). This variant has not been reported in the literature in individuals affected with ALK-related conditions. ClinVar contains an entry for this variant (Variation ID: 1906146). An algorithm developed to predict the effect of missense changes on protein structure and function (PolyPhen-2) suggests that this variant is likely to be disruptive. In summary, the available evidence is currently insufficient to determine the role of this variant in disease. Therefore, it has been classified as a Variant of Uncertain Significance.